The following is an entry in ClinVar:

NM_152564.5(VPS13B):c.1913C>G (p.Thr638Ser)

Gene: VPS13B (vacuolar protein sorting 13 homolog B; plus strand). Cytogenetic location: 8q22.2.
Variant type: single nucleotide variant.
Coding change: c.1913C>G on transcript NM_152564.5 (MANE Select); coding-DNA position 1913, C replaced by G.
Protein change: p.Thr638Ser; replaces threonine 638 with serine.
Molecular consequence: missense variant.
Genome position (GRCh38, 1-based): chr8:99,147,910, C>G. VCF-style: chr8-99147910-C-G. GRCh37 (hg19) VCF-style: chr8-100160138-C-G.
Other names: c.1913C>G, p.Thr638Ser (NM_015243.3, NM_017890.5); short protein forms T638S.
Identifiers: ClinVar variation 3730972 (VCV003730972.1).

ClinVar aggregate classification (germline): Uncertain significance (1 of 4 stars; one submission).

Submission:

GeneDx
Classification: Uncertain significance. Last evaluated: 2024-08-12. Review status: criteria provided, single submitter. Criteria: GeneDx Variant Classification Process June 2021. Collection method: clinical testing. Allele origin: germline. Affected: yes.
Comment: Not observed at significant frequency in large population cohorts (gnomAD); In silico analysis indicates that this missense variant does not alter protein structure/function; Has not been previously published as pathogenic or benign to our knowledge